The following is an entry in ClinVar:

NM_003500.4(ACOX2):c.820-10T>C

Gene: ACOX2 (acyl-CoA oxidase 2; minus strand). Cytogenetic location: 3p14.3.
Variant type: single nucleotide variant.
Coding change: c.820-10T>C on transcript NM_003500.4 (MANE Select); 10 bases into the intron before coding-DNA position 820, T replaced by C.
Molecular consequence: intron variant.
Genome position (GRCh38, 1-based): chr3:58,530,648, A>G on the plus strand (T>C on the coding strand, the complement: ACOX2 is on the minus strand). VCF-style: chr3-58530648-A-G. GRCh37 (hg19) VCF-style: chr3-58516375-A-G.
Identifiers: ClinVar variation 4998019 (VCV004998019.1).

ClinVar aggregate classification (germline): Likely benign (1 of 4 stars; one submission).

Conditions:
ACOX2-related disorder. Also called: ACOX2-related condition.

gnomAD v4.1: 1 of 1,612,518 alleles (0.000062%); highest among the groups gnomAD compares: African/African-American, 0.0013%; no homozygotes.

Submission:

PreventionGenetics, part of Exact Sciences
Classification: Likely benign for ACOX2-related condition. Last evaluated: 2025-04-15. Review status: criteria provided, single submitter. Criteria: ACMG Guidelines, 2015. Collection method: clinical testing. Allele origin: germline.
Comment: This variant is classified as likely benign based on ACMG/AMP sequence variant interpretation guidelines (Richards et al. 2015 PMID: 25741868, with internal and published modifications).